The following is an entry in ClinVar:

NM_000320.3(QDPR):c.629+2T>C

Gene: QDPR (quinoid dihydropteridine reductase; minus strand). Cytogenetic location: 4p15.32.
Variant type: single nucleotide variant.
Coding change: c.629+2T>C on transcript NM_000320.3 (MANE Select); the canonical splice donor site of the intron after coding-DNA position 629, T replaced by C.
Molecular consequence: splice donor variant.
Genome position (GRCh38, 1-based): chr4:17,490,660, A>G on the plus strand (T>C on the coding strand, the complement: QDPR is on the minus strand). VCF-style: chr4-17490660-A-G. GRCh37 (hg19) VCF-style: chr4-17492283-A-G.
Other names: c.536+2T>C (NM_001306140.2).
Identifiers: ClinVar variation 2807160 (VCV002807160.3), dbSNP rs2474656264, ClinGen allele CA356443878.

ClinVar aggregate classification (germline): Pathogenic (1 of 4 stars; one submission).

Conditions:
Dihydropteridine reductase deficiency (HPABH4C). Also called: BH4-Deficient Hyperphenylalaninemia C; HYPERPHENYLALANINEMIA, TETRAHYDROBIOPTERIN-DEFICIENT, DUE TO DHPR DEFICIENCY; QDPR DEFICIENCY; QUINOID DIHYDROPTERIDINE REDUCTASE DEFICIENCY; Phenylketonuria II; Hyperphenylalaninemia due to dihydropteridine reductase deficiency. Identifiers: Orphanet 226, Orphanet 238583, MedGen C0268465, MONDO:0009862, OMIM 261630.

Submission:

Labcorp Genetics (formerly Invitae), Labcorp
Classification: Pathogenic for Dihydropteridine reductase deficiency. Last evaluated: 2023-07-17. Review status: criteria provided, single submitter. Criteria: Invitae Variant Classification Sherloc (09022015). Collection method: clinical testing. Allele origin: germline.
Comment: For these reasons, this variant has been classified as Pathogenic. This variant disrupts a region of the QDPR protein in which other variant(s) (p.Arg221*) have been determined to be pathogenic (PMID: 8518287, 19099731, 27246466, 30109838). This suggests that this is a clinically significant region of the protein, and that variants that disrupt it are likely to be disease-causing. Variants that disrupt the consensus splice site are a relatively common cause of aberrant splicing (PMID: 17576681, 9536098). Algorithms developed to predict the effect of sequence changes on RNA splicing suggest that this variant may disrupt the consensus splice site. This variant has not been reported in the literature in individuals affected with QDPR-related conditions. This variant is not present in population databases (gnomAD no frequency). This sequence change affects a donor splice site in intron 6 of the QDPR gene. While this variant is not anticipated to result in nonsense mediated decay, it likely alters RNA splicing and results in a disrupted protein product.

Literature cited by the submitters: PubMed 8518287; PubMed 19099731; PubMed 27246466; PubMed 30109838; PubMed 17576681; PubMed 9536098.